The following is an entry in ClinVar:

NM_000138.5(FBN1):c.1693C>T (p.Arg565Ter)

Gene: FBN1 (fibrillin 1; minus strand). Cytogenetic location: 15q21.1.
Variant type: single nucleotide variant.
Coding change: c.1693C>T on transcript NM_000138.5 (MANE Select); coding-DNA position 1693, C replaced by T.
Protein change: p.Arg565Ter; replaces arginine 565 with a stop codon.
Molecular consequence: nonsense.
Genome position (GRCh38, 1-based): chr15:48,510,065, G>A on the plus strand (C>T on the coding strand, the complement: FBN1 is on the minus strand). VCF-style: chr15-48510065-G-A. GRCh37 (hg19) VCF-style: chr15-48802262-G-A.
Other names: p.R565X:CGA>TGA; p.Arg565*; short protein forms R565*.
Identifiers: ClinVar variation 199975 (VCV000199975.48), dbSNP rs113422242, ClinGen allele CA012467.

ClinVar aggregate classification (germline): Pathogenic. Review status: criteria provided, multiple submitters, no conflicts (2 of 4 stars). 12 submissions from 12 submitters: Pathogenic (11). 1 of the submissions does not count toward it. Last evaluated 2026-08-06.

Conditions:
Marfan Syndrome/Loeys-Dietz Syndrome/Familial Thoracic Aortic Aneurysms and Dissections. Identifiers: MedGen CN229799.
Marfan syndrome (MFS). Also called: Marfan syndrome, classic; FBN1-Related Marfan Syndrome; Marfan syndrome type 1; Marfan's syndrome; MARFAN SYNDROME, TYPE I. Identifiers: Orphanet 284963, Orphanet 558, MedGen C0024796, MONDO:0007947, OMIM 154700.
Familial thoracic aortic aneurysm and aortic dissection (TAAD). Also called: Thoracic aortic aneurysms and dissections. Identifiers: Orphanet 91387, MedGen C4707243, MONDO:0019625.
Weill-Marchesani syndrome 2, dominant. Also called: Weill-Marchesani Syndrome, Autosomal Dominant; FBN1-Related Weill-Marchesani Syndrome. Identifiers: Orphanet 2084, MedGen C1869115, MONDO:0012013, OMIM 608328.
FBN1-related disorder. Also called: FBN1-related disorders.

Allele frequency attached by ClinVar (database versions not stated): gnomAD 0.00001.
gnomAD v4.1: 1 of 1,613,088 alleles (0.000062%); highest among the groups gnomAD compares: Non-Finnish European, 0.000085%; no homozygotes.

Submissions (12):

OLLIN Analises Genomicas, OLLIN
Classification: Pathogenic for Weill-Marchesani syndrome 2, dominant. Last evaluated: 2026-08-06. Review status: criteria provided, single submitter. Criteria: ACMG Guidelines 2015 PMID 25741868. Collection method: clinical testing. Allele origin: de novo. Inheritance: Autosomal dominant inheritance.
Comment: This nonsense variant, located in exon 14 (of 66), has been reported in ClinVar (accession VCV002144409.5), in gnomAD with an allele frequency of 0.000062%, and in the scientific literature, also being identified de novo, in individuals with FBN1 related disorders (PMID: 16222657, 10874320, 17418587, 17657824, 19159394, 27724990). This variant introduces a premature stop codon, which is predicted to result in either a truncated protein or degradation of the mRNA via nonsense-mediated decay (NMD). According to the currently available evidence, this variant has been classified as pathogenic (PVS1, PS2, PS4, PM2_P, PP4).

Labcorp Genetics (formerly Invitae), Labcorp
Classification: Pathogenic for Marfan syndrome; Familial thoracic aortic aneurysm and aortic dissection. Last evaluated: 2026-02-01. Review status: criteria provided, single submitter. Criteria: Invitae Variant Classification Sherloc (09022015). Collection method: clinical testing. Allele origin: germline.
Comment: This sequence change creates a premature translational stop signal (p.Arg565*) in the FBN1 gene. It is expected to result in an absent or disrupted protein product. Loss-of-function variants in FBN1 are known to be pathogenic (PMID: 17657824, 19293843). This variant is not present in population databases (gnomAD no frequency). This premature translational stop signal has been observed in individual(s) with Marfan syndrome (PMID: 10874320, 16222657, 17418587, 17657824, 19159394, 27724990). In at least one individual the variant was observed to be de novo. ClinVar contains an entry for this variant (Variation ID: 199975). For these reasons, this variant has been classified as Pathogenic.

Department of Human Genetics, Hannover Medical School
Classification: Pathogenic for Marfan syndrome. Last evaluated: 2025-07-17. Review status: criteria provided, single submitter. Criteria: ACMG Guidelines, 2015. Collection method: clinical testing. Allele origin: germline. Affected: yes.
Comment: PVS1, PS4, PM2_Supporting, PP4

Ambry Genetics
Classification: Pathogenic for Familial thoracic aortic aneurysm and aortic dissection. Last evaluated: 2025-05-20. Review status: criteria provided, single submitter. Criteria: Ambry Variant Classification Scheme 2023. Collection method: clinical testing. Allele origin: germline.
Comment: The p.R565* pathogenic mutation (also known as c.1693C>T), located in coding exon 13 of the FBN1 gene, results from a C to T substitution at nucleotide position 1693. This changes the amino acid from an arginine to a stop codon within coding exon 13. This mutation has been detected in individuals reported to have Marfan syndrome in multiple studies (Arbustini E et al, Hum. Mutat. 2005 Nov; 26(5):494; S&ouml;ylen B et al, Clin. Genet. 2009 Mar; 75(3):265-70; Comeglio P et al, Hum. Mutat. 2007 Sep; 28(9):928; Baetens M et al, Hum. Mutat. 2011 Sep; 32(9):1053-62; Magyar I et al, Hum. Mutat. 2009 Sep; 30(9):1355-64; Youil R et al, Hum. Mutat. 2000 Jul; 16(1):92-3). This variant is considered to be rare based on population cohorts in the Genome Aggregation Database (gnomAD). In addition to the clinical data presented in the literature, this alteration is expected to result in loss of function by premature protein truncation or nonsense-mediated mRNA decay. As such, this alteration is interpreted as a disease-causing mutation.

Women's Health and Genetics/Laboratory Corporation of America, LabCorp
Classification: Pathogenic for Marfan Syndrome/Loeys-Dietz Syndrome/Familial Thoracic Aortic Aneurysms and Dissections. Last evaluated: 2025-04-22. Review status: criteria provided, single submitter. Criteria: LabCorp Variant Classification Summary - May 2015. Collection method: clinical testing. Allele origin: germline.
Comment: Variant summary: FBN1 c.1693C>T (p.Arg565X) results in a premature termination codon, predicted to cause a truncation of the encoded protein or absence of the protein due to nonsense mediated decay, which are commonly known mechanisms for disease. The variant was absent in 251242 control chromosomes (gnomAD). c.1693C>T has been observed in multiple individuals affected with Marfan Syndrome (e.g. Youil_2000, Arbustini_2005). These data indicate that the variant is very likely to be associated with disease. The following publications have been ascertained in the context of this evaluation (PMID: 10874320, 16222657, 19293843, 21542060, 19618372). ClinVar contains an entry for this variant (Variation ID: 199975). Based on the evidence outlined above, the variant was classified as pathogenic.

Mayo Clinic Laboratories, Mayo Clinic
Classification: Pathogenic. Last evaluated: 2024-02-07. Review status: criteria provided, single submitter. Criteria: ACMG Guidelines, 2015. Collection method: clinical testing. Allele origin: germline. Observed: 1 variant allele.
Comment: PP4, PM2, PM6, PS4, PVS1

GeneDx
Classification: Pathogenic. Last evaluated: 2023-03-02. Review status: criteria provided, single submitter. Criteria: GeneDx Variant Classification Process June 2021. Collection method: clinical testing. Allele origin: germline. Affected: yes.
Comment: Not observed at significant frequency in large population cohorts (gnomAD); Nonsense variant predicted to result in protein truncation or nonsense mediated decay in a gene for which loss of function is a known mechanism of disease; This variant is associated with the following publications: (PMID: 12203992, 25525159, 34550612, 16222657, 31730815, 19720936, 12938084, 25101912, 19618372, 19159394, 17657824, 21542060, 34422331, 33059708, 34498425, 35058154, 33726816, 34818515, 17418587, 27724990, 10874320, 19293843)

Blueprint Genetics
Classification: Pathogenic for FBN1-related disorders. Last evaluated: 2022-10-22. Review status: criteria provided, single submitter. Criteria: ACMG Guidelines, 2015. Collection method: clinical testing. Allele origin: germline. Affected: yes. Observed: 4 variant alleles.

Centre of Medical Genetics, University of Antwerp
Classification: Pathogenic for Marfan syndrome. Last evaluated: 2021-03-01. Review status: criteria provided, single submitter. Criteria: Submitter's publication. Collection method: research. Allele origin: unknown. Affected: yes. Observed: 2 variant alleles.
Comment: PM2, PVS1, PP4

Petrovsky National Research Centre of Surgery, The Federal Agency for Scientific Organizations
Classification: Pathogenic for Marfan syndrome. Last evaluated: 2019-09-02. Review status: criteria provided, single submitter. Criteria: ACMG Guidelines, 2015. Collection method: clinical testing. Allele origin: unknown. Inheritance: Autosomal dominant inheritance. Affected: yes. Observed: 1 heterozygote.
Comment: The R565X variant is a well known mutation associated with MFS and was reported in various individuals and families (UMD-FBN1). This variant is absent from large population studies (ExAC no frequency). ClinVar has an entry for this variant (Variation ID:199975). Loss-of-function variants in FBN1 gene are known to be pathogenic (PMID: 17657824, 19293843)(ExAC pLI = 1.00).

ARUP Laboratories, Molecular Genetics and Genomics, ARUP Laboratories
Classification: Pathogenic. Last evaluated: 2017-01-06. Review status: criteria provided, single submitter. Criteria: ARUP Molecular Germline Variant Investigation Process. Collection method: clinical testing. Allele origin: germline.

Center for Medical Genetics Ghent, University of Ghent
Classification: Pathogenic for Marfan syndrome. Last evaluated: 2017-11-07. Review status: no assertion criteria provided. Collection method: clinical testing. Allele origin: germline. Affected: yes. Not counted in ClinVar's aggregate classification.

Literature cited by the submitters: PubMed 16222657 (cited by 5 submitters); PubMed 10874320 (cited by 5 submitters); PubMed 17418587 (cited by OLLIN Analises Genomicas, OLLIN and Labcorp Genetics (formerly Invitae), Labcorp); PubMed 17657824 (cited by 4 submitters); PubMed 19159394 (cited by 4 submitters); PubMed 27724990 (cited by 3 submitters); PubMed 19293843 (cited by Labcorp Genetics (formerly Invitae), Labcorp and Women's Health and Genetics/Laboratory Corporation of America, LabCorp); PubMed 19618372 (cited by 3 submitters); PubMed 21542060 (cited by Ambry Genetics and Women's Health and Genetics/Laboratory Corporation of America, LabCorp); PubMed 31730815 (cited by Mayo Clinic Laboratories, Mayo Clinic); PubMed 33059708 (cited by Mayo Clinic Laboratories, Mayo Clinic); PubMed 34422331 (cited by Mayo Clinic Laboratories, Mayo Clinic); PubMed 34498425 (cited by Mayo Clinic Laboratories, Mayo Clinic); PubMed 34550612 (cited by Mayo Clinic Laboratories, Mayo Clinic); PubMed 35058154 (cited by Mayo Clinic Laboratories, Mayo Clinic); PubMed 37116669 (cited by Mayo Clinic Laboratories, Mayo Clinic).